The following is an entry in ClinVar:

NM_006662.3(SRCAP):c.7315C>G (p.Pro2439Ala)

Gene: SRCAP (Snf2 related CREBBP activator protein; plus strand). Cytogenetic location: 16p11.2.
Variant type: single nucleotide variant.
Coding change: c.7315C>G on transcript NM_006662.3 (MANE Select); coding-DNA position 7315, C replaced by G.
Protein change: p.Pro2439Ala; replaces proline 2439 with alanine.
Molecular consequence: missense variant.
Genome position (GRCh38, 1-based): chr16:30,737,355, C>G. VCF-style: chr16-30737355-C-G. GRCh37 (hg19) VCF-style: chr16-30748676-C-G.
Other names: short protein forms P2439A.
Identifiers: ClinVar variation 5020337 (VCV005020337.1).

ClinVar aggregate classification (germline): Uncertain significance (1 of 4 stars; one submission).

Submission:

Dasa
Classification: Uncertain significance. Last evaluated: 2026-06-19. Review status: criteria provided, single submitter. Criteria: DASA Assertion Criteria. Collection method: clinical testing. Allele origin: germline.
Comment: NM_006662.3(SRCAP):c.7315C>G (p.Pro2439Ala) is a missense variant that results in the substitution of proline with alanine. This variant is rare in population databases. The currently available literature and clinical evidence are not sufficient to establish a definitive association between this variant and the reported condition. Therefore, this variant is classified as a variant of uncertain significance.